The following is an entry in ClinVar:

NM_002772.3(TMPRSS15):c.1858G>A (p.Asp620Asn)

Gene: TMPRSS15 (transmembrane serine protease 15; minus strand). Cytogenetic location: 21q21.1.
Variant type: single nucleotide variant.
Coding change: c.1858G>A on transcript NM_002772.3 (MANE Select); coding-DNA position 1858, G replaced by A.
Protein change: p.Asp620Asn; replaces aspartic acid 620 with asparagine.
Molecular consequence: missense variant.
Genome position (GRCh38, 1-based): chr21:18,326,495, C>T on the plus strand (G>A on the coding strand, the complement: TMPRSS15 is on the minus strand). VCF-style: chr21-18326495-C-T. GRCh37 (hg19) VCF-style: chr21-19698812-C-T.
Other names: short protein forms D620N.
Identifiers: ClinVar variation 1978734 (VCV001978734.1), dbSNP rs767804740, ClinGen allele CA9984290.

ClinVar aggregate classification (germline): Uncertain significance (1 of 4 stars; one submission).

Allele frequency attached by ClinVar (database versions not stated): ExAC 0.00004.
gnomAD v4.1: 25 of 1,614,012 alleles (0.0015%); highest among the groups gnomAD compares: East Asian, 0.0067%; no homozygotes.

Submission:

Labcorp Genetics (formerly Invitae), Labcorp
Classification: Uncertain significance. Last evaluated: 2022-08-05. Review status: criteria provided, single submitter. Criteria: Invitae Variant Classification Sherloc (09022015). Collection method: clinical testing. Allele origin: germline.
Comment: This sequence change replaces aspartic acid, which is acidic and polar, with asparagine, which is neutral and polar, at codon 620 of the TMPRSS15 protein (p.Asp620Asn). This variant is present in population databases (rs767804740, gnomAD 0.006%). This variant has not been reported in the literature in individuals affected with TMPRSS15-related conditions. Algorithms developed to predict the effect of missense changes on protein structure and function output the following: SIFT: "Not Available"; PolyPhen-2: "Benign"; Align-GVGD: "Not Available". The asparagine amino acid residue is found in multiple mammalian species, which suggests that this missense change does not adversely affect protein function. In summary, the available evidence is currently insufficient to determine the role of this variant in disease. Therefore, it has been classified as a Variant of Uncertain Significance.